The following is an entry in ClinVar:

ClinVar aggregate classification (germline): Uncertain significance (1 of 4 stars; one submission).

Conditions:
Familial thoracic aortic aneurysm and aortic dissection (TAAD). Also called: Thoracic aortic aneurysms and dissections. Identifiers: Orphanet 91387, MedGen C4707243, MONDO:0019625.

gnomAD v4.1: 9 of 1,607,834 alleles (0.00056%); highest among the groups gnomAD compares: Non-Finnish European, 0.00076%; no homozygotes.

Submission:

Ambry Genetics
Classification: Uncertain significance for Familial thoracic aortic aneurysm and aortic dissection. Last evaluated: 2026-02-15. Review status: criteria provided, single submitter. Criteria: Ambry Variant Classification Scheme 2023. Collection method: clinical testing. Allele origin: germline.
Comment: The p.R1203L variant (also known as c.3608G>T), located in coding exon 46 of the COL5A1 gene, results from a G to T substitution at nucleotide position 3608. The arginine at codon 1203 is replaced by leucine, an amino acid with dissimilar properties. This amino acid position is conserved. In addition, this alteration is predicted to be deleterious by in silico analysis. Based on the available evidence, the clinical significance of this variant remains unclear.

NM_000093.5(COL5A1):c.3608G>T (p.Arg1203Leu)

Gene: COL5A1 (collagen type V alpha 1 chain; plus strand). Cytogenetic location: 9q34.3.
Variant type: single nucleotide variant.
Coding change: c.3608G>T on transcript NM_000093.5 (MANE Select); coding-DNA position 3608, G replaced by T.
Protein change: p.Arg1203Leu; replaces arginine 1203 with leucine.
Molecular consequence: missense variant.
Genome position (GRCh38, 1-based): chr9:134,811,517, G>T. VCF-style: chr9-134811517-G-T. GRCh37 (hg19) VCF-style: chr9-137703363-G-T.
Other names: c.3608G>T, p.Arg1203Leu (NM_001278074.1); short protein forms R1203L.
Identifiers: ClinVar variation 4844426 (VCV004844426.1).
Genomic context (GRCh38, chr9:134,811,517, plus strand): 5'-AGCATCCTCACCCATGGCCGGTTATTTCCCTGCAGGGAGCTGACGGCGAGCCGGGGCCTC[G>T]GGGCCAGCAGGGCCTTTTCGGGCAGAAAGGTGATGAAGGTCCCAGAGGCTTTCCTGGACC-3'
Protein context (NP_000084.3, residues 1193-1213): PSGADGEPGP[Arg1203Leu]GQQGLFGQKG